The following is an entry in ClinVar:

ClinVar aggregate classification (germline): Uncertain significance (1 of 4 stars; one submission).

Allele frequency attached by ClinVar (database versions not stated): TOPMed below 0.00001.

Submission:

Labcorp Genetics (formerly Invitae), Labcorp
Classification: Uncertain significance. Last evaluated: 2023-08-17. Review status: criteria provided, single submitter. Criteria: Invitae Variant Classification Sherloc (09022015). Collection method: clinical testing. Allele origin: germline.
Comment: In summary, the available evidence is currently insufficient to determine the role of this variant in disease. Therefore, it has been classified as a Variant of Uncertain Significance. Algorithms developed to predict the effect of missense changes on protein structure and function output the following: SIFT: "Not Available"; PolyPhen-2: "Benign"; Align-GVGD: "Not Available". The proline amino acid residue is found in multiple mammalian species, which suggests that this missense change does not adversely affect protein function. ClinVar contains an entry for this variant (Variation ID: 1352794). This variant has not been reported in the literature in individuals affected with CD2AP-related conditions. This variant is not present in population databases (gnomAD no frequency). This sequence change replaces serine, which is neutral and polar, with proline, which is neutral and non-polar, at codon 449 of the CD2AP protein (p.Ser449Pro).

NM_012120.3(CD2AP):c.1345T>C (p.Ser449Pro)

Gene: CD2AP (CD2 associated protein; plus strand). Cytogenetic location: 6p12.3.
Variant type: single nucleotide variant.
Coding change: c.1345T>C on transcript NM_012120.3 (MANE Select); coding-DNA position 1345, T replaced by C.
Protein change: p.Ser449Pro; replaces serine 449 with proline.
Molecular consequence: missense variant.
Genome position (GRCh38, 1-based): chr6:47,599,371, T>C. VCF-style: chr6-47599371-T-C. GRCh37 (hg19) VCF-style: chr6-47567107-T-C.
Other names: short protein forms S449P.
Identifiers: ClinVar variation 1352794 (VCV001352794.8), dbSNP rs1769048619, ClinGen allele CA363939473.